The following is an entry in ClinVar:

ClinVar aggregate classification (germline): Uncertain significance (1 of 4 stars; one submission).

Conditions:
Congenital myasthenic syndrome 2A. Also called: Myasthenic syndrome, congenital, 2a, slow-channel. Identifiers: Orphanet 590, MedGen C4225374, MONDO:0014581, OMIM 616313.

Submission:

Labcorp Genetics (formerly Invitae), Labcorp
Classification: Uncertain significance for Congenital myasthenic syndrome 2A. Last evaluated: 2018-04-10. Review status: criteria provided, single submitter. Criteria: Invitae Variant Classification Sherloc (09022015). Collection method: clinical testing. Allele origin: germline.
Comment: Algorithms developed to predict the effect of missense changes on protein structure and function do not agree on the potential impact of this missense change (SIFT: "Deleterious"; PolyPhen-2: "Probably Damaging"; Align-GVGD: "Class C0"). This variant has not been reported in the literature in individuals with CHRNB1-related disease. This variant is not present in population databases (ExAC no frequency). This sequence change replaces phenylalanine with cysteine at codon 169 of the CHRNB1 protein (p.Phe169Cys). The phenylalanine residue is highly conserved and there is a large physicochemical difference between phenylalanine and cysteine. In summary, the available evidence is currently insufficient to determine the role of this variant in disease. Therefore, it has been classified as a Variant of Uncertain Significance.

NM_000747.3(CHRNB1):c.506T>G (p.Phe169Cys)

Gene: CHRNB1 (cholinergic receptor nicotinic beta 1 subunit; plus strand). Cytogenetic location: 17p13.1.
Variant type: single nucleotide variant.
Coding change: c.506T>G on transcript NM_000747.3 (MANE Select); coding-DNA position 506, T replaced by G.
Protein change: p.Phe169Cys; replaces phenylalanine 169 with cysteine.
Molecular consequence: missense variant.
Genome position (GRCh38, 1-based): chr17:7,447,546, T>G. VCF-style: chr17-7447546-T-G. GRCh37 (hg19) VCF-style: chr17-7350865-T-G.
Other names: short protein forms F169C.
Identifiers: ClinVar variation 566555 (VCV000566555.8), dbSNP rs1567677415, ClinGen allele CA397792671.